The following is an entry in ClinVar:

NM_001270508.2(TNFAIP3):c.1328A>G (p.Tyr443Cys)

Gene: TNFAIP3 (TNF alpha induced protein 3; plus strand). Cytogenetic location: 6q23.3.
Variant type: single nucleotide variant.
Coding change: c.1328A>G on transcript NM_001270508.2 (MANE Select); coding-DNA position 1328, A replaced by G.
Protein change: p.Tyr443Cys; replaces tyrosine 443 with cysteine.
Molecular consequence: missense variant.
Genome position (GRCh38, 1-based): chr6:137,878,773, A>G. VCF-style: chr6-137878773-A-G. GRCh37 (hg19) VCF-style: chr6-138199910-A-G.
Other names: p.Tyr443Cys; c.1328A>G, p.Tyr443Cys (NM_001270507.2, NM_006290.4); short protein forms Y443C.
Identifiers: ClinVar variation 4541225 (VCV004541225.1).
Genomic context (GRCh38, chr6:137,878,773, plus strand): 5'-CCAAGCCGGGCCCTGAGGGGCTCCCTGGCATGGCGCTCGGGGCCTCTCGGGGAGAAGCCT[A>G]TGAGCCCTTGGCGTGGAACCCTGAGGAGTCCACTGGGGGGCCTCATTCGGCCCCACCGAC-3'
Protein context (NP_001257437.1, residues 433-453): MALGASRGEA[Tyr443Cys]EPLAWNPEES

ClinVar aggregate classification (germline): Uncertain significance (1 of 4 stars; one submission).

gnomAD v4.1: 5 of 1,614,100 alleles (0.00031%); highest among the groups gnomAD compares: Non-Finnish European, 0.00042%; no homozygotes.

Submission:

Mayo Clinic Laboratories, Mayo Clinic
Classification: Uncertain significance. Last evaluated: 2025-11-12. Review status: criteria provided, single submitter. Criteria: ACMG Guidelines, 2015. Collection method: clinical testing. Allele origin: germline. Observed: 1 variant allele.
Comment: BP4_moderate, PM2_supporting